The following is an entry in ClinVar:

NM_000372.5(TYR):c.833G>A (p.Arg278Gln)

Gene: TYR (tyrosinase; plus strand). Cytogenetic location: 11q14.3.
Variant type: single nucleotide variant.
Coding change: c.833G>A on transcript NM_000372.5 (MANE Select); coding-DNA position 833, G replaced by A.
Protein change: p.Arg278Gln; replaces arginine 278 with glutamine.
Molecular consequence: missense variant.
Genome position (GRCh38, 1-based): chr11:89,191,215, G>A. VCF-style: chr11-89191215-G-A. GRCh37 (hg19) VCF-style: chr11-88924383-G-A.
Other names: short protein forms R278Q.
Identifiers: ClinVar variation 880976 (VCV000880976.7), dbSNP rs753384336, ClinGen allele CA6221231.

ClinVar aggregate classification (germline): Uncertain significance. Review status: criteria provided, multiple submitters, no conflicts (2 of 4 stars). 2 submissions from 2 submitters: Uncertain significance (2). Last evaluated 2025-10-27.

Conditions:
Oculocutaneous albinism. Identifiers: Orphanet 55, MedGen C0078918, MONDO:0018910.

Allele frequency attached by ClinVar (database versions not stated): ExAC 0.00001; TOPMed 0.00001; gnomAD 0.00003 and 0.00004; gnomAD exomes 0.00003.
gnomAD v4.1: 55 of 1,613,298 alleles (0.0034%); highest among the groups gnomAD compares: Admixed American, 0.015%; no homozygotes.

Submissions (2):

Labcorp Genetics (formerly Invitae), Labcorp
Classification: Uncertain significance. Last evaluated: 2025-10-27. Review status: criteria provided, single submitter. Criteria: Invitae Variant Classification Sherloc (09022015). Collection method: clinical testing. Allele origin: germline.
Comment: This sequence change replaces arginine, which is basic and polar, with glutamine, which is neutral and polar, at codon 278 of the TYR protein (p.Arg278Gln). This variant is present in population databases (rs753384336, gnomAD 0.01%). This variant has not been reported in the literature in individuals affected with TYR-related conditions. ClinVar contains an entry for this variant (Variation ID: 880976). An algorithm developed to predict the effect of missense changes on protein structure and function outputs the following: PolyPhen-2: "Benign". The glutamine amino acid residue is found in multiple mammalian species, which suggests that this missense change does not adversely affect protein function. In summary, the available evidence is currently insufficient to determine the role of this variant in disease. Therefore, it has been classified as a Variant of Uncertain Significance.

Illumina Laboratory Services, Illumina
Classification: Uncertain significance for Oculocutaneous albinism. Last evaluated: 2017-04-28. Review status: criteria provided, single submitter. Criteria: ICSL Variant Classification Criteria 13 December 2019. Collection method: clinical testing. Allele origin: germline.